The following is an entry in ClinVar:

NM_001365276.2(TNXB):c.697T>G (p.Cys233Gly)

Gene: TNXB (tenascin XB; minus strand). Cytogenetic location: 6p21.33.
Variant type: single nucleotide variant.
Coding change: c.697T>G on transcript NM_001365276.2 (MANE Select); coding-DNA position 697, T replaced by G.
Protein change: p.Cys233Gly; replaces cysteine 233 with glycine.
Molecular consequence: missense variant.
Genome position (GRCh38, 1-based): chr6:32,097,156, A>C on the plus strand (T>G on the coding strand, the complement: TNXB is on the minus strand). VCF-style: chr6-32097156-A-C. GRCh37 (hg19) VCF-style: chr6-32064933-A-C.
Other names: c.697T>G, p.Cys233Gly (NM_019105.8); short protein forms C233G.
Identifiers: ClinVar variation 521774 (VCV000521774.3), dbSNP rs774675861, ClinGen allele CA3735806.

ClinVar aggregate classification (germline): Uncertain significance (1 of 4 stars; one submission).

Conditions:
Inborn genetic diseases. Identifiers: MedGen C0950123, MeSH D030342.

Allele frequency attached by ClinVar (database versions not stated): ExAC 0.00003; gnomAD exomes 0.00001.
gnomAD v4.1: 2 of 1,600,126 alleles (0.00012%); highest among the groups gnomAD compares: Admixed American, 0.0035%; no homozygotes.

Submission:

Ambry Genetics
Classification: Uncertain significance for Hereditary disease. Last evaluated: 2017-05-08. Review status: criteria provided, single submitter. Criteria: ambry_reporting_categories_2017. Collection method: clinical testing. Allele origin: germline. Affected: yes. Observed: 1 homozygote. Segregation with disease observed.
Comment: Lines of evidence used in support of classification: CANDIDATE: Alteration(s) of Potential Clinical Relevance Detected

Literature cited by the submitters: PubMed 11642233; PubMed 20649799.